The following is an entry in ClinVar:

NM_002519.3(NPAT):c.2851G>T (p.Val951Leu)

Gene: NPAT (nuclear protein, coactivator of histone transcription; minus strand). Cytogenetic location: 11q22.3.
Variant type: single nucleotide variant.
Coding change: c.2851G>T on transcript NM_002519.3 (MANE Select); coding-DNA position 2851, G replaced by T.
Protein change: p.Val951Leu; replaces valine 951 with leucine.
Molecular consequence: missense variant.
Genome position (GRCh38, 1-based): chr11:108,169,978, C>A on the plus strand (G>T on the coding strand, the complement: NPAT is on the minus strand). VCF-style: chr11-108169978-C-A. GRCh37 (hg19) VCF-style: chr11-108040705-C-A.
Other names: c.2851G>T, p.Val951Leu (NM_001321307.1); short protein forms V951L.
Identifiers: ClinVar variation 3222560 (VCV003222560.1), dbSNP rs2496711353, ClinGen allele CA382512094.
Genomic context (GRCh38, chr11:108,169,978, plus strand): 5'-TAAATCTTACCTGCCGAGGAGGAGTAGAAAAGTTATTTCCATTCTGTCCAACCACAGATA[C>A]TGGGATCATCCCTACCATTCCTTGGAGTACAGGCTGGACTGGAGAGGCAATTATTATGGC-3'
Protein context (NP_002510.2, residues 941-961): VLQGMVGMIP[Val951Leu]SVVGQNGNNF

ClinVar aggregate classification (germline): Uncertain significance (1 of 4 stars; one submission).

Allele frequency attached by ClinVar (database versions not stated): gnomAD exomes below 0.00001.
gnomAD v4.1: 1 of 1,614,022 alleles (0.000062%); highest among the groups gnomAD compares: Non-Finnish European, 0.000085%; no homozygotes.

Submission:

Ambry Genetics
Classification: Uncertain significance. Last evaluated: 2024-02-01. Review status: criteria provided, single submitter. Criteria: Ambry Variant Classification Scheme 2023. Collection method: clinical testing. Allele origin: germline.
Comment: The p.V951L variant (also known as c.2851G>T), located in coding exon 14 of the NPAT gene, results from a G to T substitution at nucleotide position 2851. The valine at codon 951 is replaced by leucine, an amino acid with highly similar properties. This amino acid position is conserved. In addition, this alteration is predicted to be tolerated by in silico analysis. Based on the available evidence, the clinical significance of this alteration remains unclear.